The following is an entry in ClinVar:

NM_000195.5(HPS1):c.304G>T (p.Glu102Ter)

Gene: HPS1 (HPS1 biogenesis of lysosomal organelles complex 3 subunit 1; minus strand). Cytogenetic location: 10q24.2.
Variant type: single nucleotide variant.
Coding change: c.304G>T on transcript NM_000195.5 (MANE Select); coding-DNA position 304, G replaced by T.
Protein change: p.Glu102Ter; replaces glutamic acid 102 with a stop codon.
Molecular consequence: nonsense. On other transcripts: 5 prime UTR variant (2), intron variant (7).
Genome position (GRCh38, 1-based): chr10:98,435,366, C>A on the plus strand (G>T on the coding strand, the complement: HPS1 is on the minus strand). VCF-style: chr10-98435366-C-A. GRCh37 (hg19) VCF-style: chr10-100195123-C-A.
Other names: c.-613G>T (NM_001311345.2); c.304G>T, p.Glu102Ter (NM_001322476.2, NM_001322477.2, NM_001322478.2 and 5 more transcripts); c.-712G>T (NM_001322487.2); c.29+269G>T (NM_001322483.2, NM_001322485.2, NM_001322484.2); c.255+269G>T (NM_001322480.2, NM_001322482.2, NM_001322481.2); c.-519+269G>T (NM_001322489.2); short protein forms E102*.
Identifiers: ClinVar variation 5013563 (VCV005013563.1).
Genomic context (GRCh38, chr10:98,435,366, plus strand): 5'-GCCCAAAGTGCACTTCAAACAGGTACTTGAGCACATACAGCTTCCGCCGCAGGTCCCCCT[C>A]GCTCTCGGTGTGGTCACCATTGATGGCAATGAACAGGCATTCTCCAAACTGCAGGCACAG-3'

ClinVar aggregate classification (germline): Pathogenic (1 of 4 stars; one submission).

Conditions:
Hermansky-Pudlak syndrome 1 (HPS1). Also called: DELTA STORAGE POOL DISEASE. Identifiers: Orphanet 231500, Orphanet 79430, MedGen C2931875, MONDO:0008748, OMIM 203300.

gnomAD v4.1: 2 of 1,614,054 alleles (0.00012%); highest among the groups gnomAD compares: Admixed American, 0.0017%; no homozygotes.

Submission:

Myriad Genetics, Inc.
Classification: Pathogenic for Hermansky-Pudlak syndrome 1. Last evaluated: 2024-09-18. Review status: criteria provided, single submitter. Criteria: Myriad Autosomal Dominant, Autosomal Recessive and X-Linked Classification Criteria (2023). Collection method: clinical testing. Allele origin: unknown.
Comment: NM_000195.3(HPS1):c.304G>T(E102*) is expected to be pathogenic in the context of Hermansky-Pudlak syndrome, HPS1-related. This variant is predicted to lead to an abnormal or absent protein product due to the creation of a premature termination codon in HPS1, a gene where loss-of-function variants are known to be pathogenic. Please note: this variant was assessed in the context of healthy population screening.